The following is an entry in ClinVar:

ClinVar aggregate classification (germline): Uncertain significance (1 of 4 stars; one submission).

Conditions:
PIEZO2-related disorder. Also called: PIEZO2-related disorders; PIEZO2-related condition.

Submission:

PreventionGenetics, part of Exact Sciences
Classification: Uncertain significance for PIEZO2-related condition. Last evaluated: 2025-04-29. Review status: criteria provided, single submitter. Criteria: ACMG Guidelines, 2015. Collection method: clinical testing. Allele origin: germline.
Comment: The PIEZO2 c.5269A>G variant is predicted to result in the amino acid substitution p.Met1757Val. To our knowledge, this variant has not been reported in the literature or in a large population database (gnomAD), indicating this variant is rare. At this time, the clinical significance of this variant is uncertain due to the absence of conclusive functional and genetic evidence.

NM_001378183.1(PIEZO2):c.5608A>G (p.Met1870Val)

Gene: PIEZO2 (piezo type mechanosensitive ion channel component 2; minus strand). Cytogenetic location: 18p11.22.
Variant type: single nucleotide variant.
Coding change: c.5608A>G on transcript NM_001378183.1 (MANE Select); coding-DNA position 5608, A replaced by G.
Protein change: p.Met1870Val; replaces methionine 1870 with valine.
Molecular consequence: missense variant.
Genome position (GRCh38, 1-based): chr18:10,705,727, T>C on the plus strand (A>G on the coding strand, the complement: PIEZO2 is on the minus strand). VCF-style: chr18-10705727-T-C. GRCh37 (hg19) VCF-style: chr18-10705725-T-C.
Other names: c.5344A>G, p.Met1782Val (NM_001410871.1); c.5269A>G, p.Met1757Val (NM_022068.4); short protein forms M1757V, M1870V, M1782V.
Identifiers: ClinVar variation 4996847 (VCV004996847.1).
Genomic context (GRCh38, chr18:10,705,727, plus strand): 5'-CCTCCTGCTCAGCCTCCACCTCCTCGATGGTCTCAGTGGTCCCCTGGCGTGAGTACAGCA[T>C]GGTACACTGCGTGGGCTCGCTGTTGGGAGAAAGCGTGGGCACAGAGCCCATGTCTTAGCA-3'
Protein context (NP_001365112.1, residues 1860-1880): LASSEPTQCT[Met1870Val]LYSRQGTTET